The following is an entry in ClinVar:

NM_024675.4(PALB2):c.2827G>C (p.Glu943Gln)

Gene: PALB2 (partner and localizer of BRCA2; minus strand). Cytogenetic location: 16p12.2.
Variant type: single nucleotide variant.
Coding change: c.2827G>C on transcript NM_024675.4 (MANE Select); coding-DNA position 2827, G replaced by C.
Protein change: p.Glu943Gln; replaces glutamic acid 943 with glutamine.
Molecular consequence: missense variant.
Genome position (GRCh38, 1-based): chr16:23,624,016, C>G on the plus strand (G>C on the coding strand, the complement: PALB2 is on the minus strand). VCF-style: chr16-23624016-C-G. GRCh37 (hg19) VCF-style: chr16-23635337-C-G.
Other names: c.2767G>C, p.Glu923Gln (NM_001407296.1); c.2755G>C, p.Glu919Gln (NM_001407297.1); c.2665G>C, p.Glu889Gln (NM_001407298.1, NM_001407302.1); c.2827G>C, p.Glu943Gln (NM_001407299.1, NM_001407300.1, NM_001407301.1); c.1942G>C, p.Glu648Gln (NM_001407304.1, NM_001407305.1, NM_001407306.1 and 4 more transcripts); c.1780G>C, p.Glu594Gln (NM_001407307.1); c.1039G>C, p.Glu347Gln (NM_001407312.1, NM_001407313.1); c.361G>C, p.Glu121Gln (NM_001407314.1); short protein forms E121Q, E347Q, E594Q, E648Q, E889Q, E919Q, E923Q, E943Q.
Identifiers: ClinVar variation 3067659 (VCV003067659.21), dbSNP rs1567214295, ClinGen allele CA395144805.

ClinVar aggregate classification (germline): Uncertain significance. Review status: criteria provided, multiple submitters, no conflicts (2 of 4 stars). 2 submissions from 2 submitters: Uncertain significance (2). Last evaluated 2024-03-24.

Conditions:
Familial cancer of breast. Also called: BREAST CANCER, FAMILIAL; Hereditary breast cancer; hereditary breast carcinoma. Identifiers: Orphanet 227535, MedGen C0346153, MONDO:0016419, OMIM 114480. Disease mechanism: loss of function.

Submissions (2):

Baylor Genetics
Classification: Uncertain significance for Familial cancer of breast. Last evaluated: 2024-03-24. Review status: criteria provided, single submitter. Criteria: ACMG Guidelines, 2015. Collection method: clinical testing. Allele origin: unknown.

CeGaT Center for Human Genetics Tuebingen
Classification: Uncertain significance. Last evaluated: 2024-03-01. Review status: criteria provided, single submitter. Criteria: CeGaT Center For Human Genetics Tuebingen Variant Classification Criteria Version 2. Collection method: clinical testing. Allele origin: germline. Affected: yes. Observed: 1 variant allele.
Comment: PALB2: PM2